The following is an entry in ClinVar:

NM_016343.4(CENPF):c.988A>T (p.Ile330Phe)

Gene: CENPF (centromere protein F; plus strand). Cytogenetic location: 1q41.
Variant type: single nucleotide variant.
Coding change: c.988A>T on transcript NM_016343.4 (MANE Select); coding-DNA position 988, A replaced by T.
Protein change: p.Ile330Phe; replaces isoleucine 330 with phenylalanine.
Molecular consequence: missense variant.
Genome position (GRCh38, 1-based): chr1:214,622,201, A>T. VCF-style: chr1-214622201-A-T. GRCh37 (hg19) VCF-style: chr1-214795544-A-T.
Other names: short protein forms I330F.
Identifiers: ClinVar variation 2634845 (VCV002634845.1), dbSNP rs370955098, ClinGen allele CA1389897.

ClinVar aggregate classification (germline): Uncertain significance (1 of 4 stars; one submission).

Conditions:
CENPF-related disorder. Also called: CENPF-related condition.

Allele frequency attached by ClinVar (database versions not stated): TOPMed 0.00002; gnomAD 0.00005; ESP Exome Variant Server 0.00008.
gnomAD v4.1: 12 of 1,614,128 alleles (0.00074%); highest among the groups gnomAD compares: African/African-American, 0.016%; no homozygotes.

Submission:

PreventionGenetics, part of Exact Sciences
Classification: Uncertain significance for CENPF-related condition. Last evaluated: 2023-04-26. Review status: criteria provided, single submitter. Criteria: ACMG Guidelines, 2015. Collection method: clinical testing. Allele origin: germline.
Comment: The CENPF c.988A>T variant is predicted to result in the amino acid substitution p.Ile330Phe. To our knowledge, this variant has not been reported in the literature. This variant is reported in 0.028% of alleles in individuals of African descent in gnomAD. At this time, the clinical significance of this variant is uncertain due to the absence of conclusive functional and genetic evidence.